The following is an entry in ClinVar:

NM_020719.3(PRR12):c.342C>T (p.Arg114=)

Gene: PRR12 (proline rich 12; plus strand). Cytogenetic location: 19q13.33.
Variant type: single nucleotide variant.
Coding change: c.342C>T on transcript NM_020719.3 (MANE Select); coding-DNA position 342, C replaced by T.
Protein change: p.Arg114=; no amino-acid change (arginine 114 retained).
Molecular consequence: synonymous variant.
Genome position (GRCh38, 1-based): chr19:49,594,596, C>T. VCF-style: chr19-49594596-C-T. GRCh37 (hg19) VCF-style: chr19-50097853-C-T.
Identifiers: ClinVar variation 734431 (VCV000734431.26), dbSNP rs375190208, ClinGen allele CA9577613.
Genomic context (GRCh38, chr19:49,594,596, plus strand): 5'-CCTGGAATCCCGGGGCCCCCAGCCTGGCCCCTCCGCCTCCTCTCTCCTCTCCCAGTTCCG[C>T]AGTCCTTCCTGGCAAACAGGTAAGCCCAGCGCCGGCCCTGCAGGGCCAGGGTGGGACTGG-3'
Protein context (NP_065770.1, residues 104-124): PSASSLLSQF[Arg114=]SPSWQTAMHT

ClinVar aggregate classification (germline): Likely benign. Review status: criteria provided, multiple submitters, no conflicts (2 of 4 stars). 3 submissions from 3 submitters: Likely benign (3). Last evaluated 2025-02-01.

Allele frequency attached by ClinVar (database versions not stated): TOPMed 0.00100; gnomAD 0.00102 and 0.00106; gnomAD exomes 0.00113 and 0.00190; ExAC 0.00117; ESP Exome Variant Server 0.00141.
gnomAD v4.1: 2,922 of 1,612,426 alleles (0.18%); highest among the groups gnomAD compares: Non-Finnish European, 0.23%; 2 homozygotes.

Submissions (3):

CeGaT Center for Human Genetics Tuebingen
Classification: Likely benign. Last evaluated: 2025-02-01. Review status: criteria provided, single submitter. Criteria: CeGaT Center For Human Genetics Tuebingen Variant Classification Criteria Version 2. Collection method: clinical testing. Allele origin: germline. Affected: yes. Observed: 2 variant alleles.
Comment: PRR12: BP4, BP7, BS1

Blueprint Genetics
Classification: Likely benign. Last evaluated: 2024-11-06. Review status: criteria provided, single submitter. Criteria: ACMG Guidelines, 2015. Collection method: clinical testing. Allele origin: germline.

Labcorp Genetics (formerly Invitae), Labcorp
Classification: Likely benign. Last evaluated: 2019-12-31. Review status: criteria provided, single submitter. Criteria: Invitae Variant Classification Sherloc (09022015). Collection method: clinical testing. Allele origin: germline.